The following is an entry in ClinVar:

ClinVar aggregate classification (germline): Likely benign. Review status: criteria provided, multiple submitters, no conflicts (2 of 4 stars). 2 submissions from 2 submitters: Likely benign (2). Last evaluated 2020-11-16.

Submissions (2):

Blueprint Genetics
Classification: Likely benign. Last evaluated: 2020-11-16. Review status: criteria provided, single submitter. Criteria: ACMG Guidelines, 2015. Collection method: clinical testing. Allele origin: germline.

Laboratory for Molecular Medicine, Mass General Brigham Personalized Medicine
Classification: Likely benign. Last evaluated: 2015-04-02. Review status: criteria provided, single submitter. Criteria: LMM Criteria. Collection method: clinical testing. Allele origin: germline. Observed: 1 variant allele.
Comment: p.Glu1314Glu in exon 18 of USH2A: This variant is not expected to have clinical significance because it does not alter an amino acid residue and is not located within the splice consensus sequence.

NM_206933.4(USH2A):c.3942A>G (p.Glu1314=)

Genes: USH2A (usherin; minus strand), USH2A-AS1 (USH2A antisense RNA 1; plus strand). Cytogenetic location: 1q41.
Variant type: single nucleotide variant.
Coding change: c.3942A>G on transcript NM_206933.4 (MANE Select); coding-DNA position 3942, A replaced by G.
Protein change: p.Glu1314=; no amino-acid change (glutamic acid 1314 retained).
Molecular consequence: synonymous variant.
Genome position (GRCh38, 1-based): chr1:216,198,454, T>C on the plus strand (A>G on the coding strand, the complement: USH2A is on the minus strand). VCF-style: chr1-216198454-T-C. GRCh37 (hg19) VCF-style: chr1-216371796-T-C.
Other names: c.3942A>G, p.Glu1314= (NM_007123.6).
Identifiers: ClinVar variation 228213 (VCV000228213.6), dbSNP rs876657626, ClinGen allele CA10576386.
Genomic context (GRCh38, chr1:216,198,454, plus strand): 5'-CTTGGTGTATGGCTCCAAGCCAGTGATGGTTGTCATTGTTTGAGGAGGTTTTAATGCATT[T>C]TCATTGGCCGATTCTACAAATGAATGAGGACTGAGCCAACCACTGCTCTGAAAAACTCGA-3'
Protein context (NP_996816.3, residues 1304-1324): SPHSFVESAN[Glu1314=]NALKPPQTMT